The following is an entry in ClinVar:

NM_004463.3(FGD1):c.1936-10C>G

Gene: FGD1 (FYVE, RhoGEF and PH domain containing 1; minus strand). Cytogenetic location: Xp11.22.
Variant type: single nucleotide variant.
Coding change: c.1936-10C>G on transcript NM_004463.3 (MANE Select); 10 bases into the intron before coding-DNA position 1936, C replaced by G.
Molecular consequence: intron variant.
Genome position (GRCh38, 1-based): chrX:54,455,537, G>C on the plus strand (C>G on the coding strand, the complement: FGD1 is on the minus strand). VCF-style: chrX-54455537-G-C. GRCh37 (hg19) VCF-style: chrX-54481970-G-C.
Identifiers: ClinVar variation 2919233 (VCV002919233.3), dbSNP rs907960239, ClinGen allele CA329091723.

ClinVar aggregate classification (germline): Uncertain significance (1 of 4 stars; one submission).

Allele frequency attached by ClinVar (database versions not stated): gnomAD exomes below 0.00001; TOPMed 0.00002.

Submission:

Labcorp Genetics (formerly Invitae), Labcorp
Classification: Uncertain significance. Last evaluated: 2023-09-28. Review status: criteria provided, single submitter. Criteria: Invitae Variant Classification Sherloc (09022015). Collection method: clinical testing. Allele origin: germline.
Comment: This sequence change falls in intron 11 of the FGD1 gene. It does not directly change the encoded amino acid sequence of the FGD1 protein. This variant is not present in population databases (gnomAD no frequency). This variant has not been reported in the literature in individuals affected with FGD1-related conditions. Algorithms developed to predict the effect of sequence changes on RNA splicing suggest that this variant may create or strengthen a splice site. In summary, the available evidence is currently insufficient to determine the role of this variant in disease. Therefore, it has been classified as a Variant of Uncertain Significance.